The following is an entry in ClinVar:

ClinVar aggregate classification (germline): Pathogenic/Likely pathogenic. Review status: criteria provided, multiple submitters, no conflicts (2 of 4 stars). 6 submissions from 6 submitters: Pathogenic (1); Likely pathogenic (4). 1 of the submissions does not count toward it. Last evaluated 2026-02-04.

Conditions:
Autosomal recessive nonsyndromic hearing loss 16. Also called: DFNB16 Nonsyndromic Hearing Loss and Deafness; DEAFNESS, AUTOSOMAL RECESSIVE 16. Identifiers: Orphanet 90636, MedGen C1863561, MONDO:0011364, OMIM 603720.
STRC-related disorder. Also called: STRC-related condition.

Allele frequency attached by ClinVar (database versions not stated): 1000 Genomes Project 0.00200; gnomAD 0.00041; 1000 Genomes Project 30x 0.00047; ExAC 0.00101.

Submissions (6):

Dasa
Classification: Likely pathogenic. Last evaluated: 2026-02-04. Review status: criteria provided, single submitter. Criteria: DASA Assertion Criteria. Collection method: clinical testing. Allele origin: germline.
Comment: NM_153700.2(STRC):c.3460C>T (p.Arg1154*) is a nonsense variant in STRC predicted to introduce a premature termination codon and is predicted to result in an absent or altered protein product. Loss of function is an established disease mechanism for STRC-associated disorders. Also, this variant is absent from population databases. Based on the currently available evidence, this variant is classified as likely pathogenic.

Genomic Research Center, Shahid Beheshti University of Medical Sciences
Classification: Pathogenic. Last evaluated: 2020-05-03. Review status: criteria provided, single submitter. Criteria: ACMG Guidelines, 2015. Collection method: clinical testing. Allele origin: unknown. Affected: no.

ARUP Laboratories, Molecular Genetics and Genomics, ARUP Laboratories
Classification: Likely pathogenic for Autosomal recessive nonsyndromic hearing loss 16. Last evaluated: 2018-09-28. Review status: criteria provided, single submitter. Criteria: ARUP Molecular Germline Variant Investigation Process. Collection method: clinical testing. Allele origin: germline.

Genome-Nilou Lab
Classification: Likely pathogenic for Autosomal recessive nonsyndromic hearing loss 16. Review status: criteria provided, single submitter. Criteria: ACMG Guidelines, 2015. Collection method: clinical testing. Allele origin: germline.

Juno Genomics, Hangzhou Juno Genomics, Inc
Classification: Likely pathogenic for Autosomal recessive nonsyndromic hearing loss 16. Review status: criteria provided, single submitter. Criteria: ACMG Guidelines, 2015. Collection method: clinical testing. Allele origin: germline. Affected: yes.
Comment: Null variant in a gene where loss of function (LOF) is a known mechanism of disease.;For recessive disorders, detected in trans with a pathogenic variant.

PreventionGenetics, part of Exact Sciences
Classification: Likely pathogenic for STRC-related condition. Last evaluated: 2024-06-27. Review status: no assertion criteria provided. Collection method: clinical testing. Allele origin: germline. Not counted in ClinVar's aggregate classification.
Comment: The STRC c.3460C>T variant is predicted to result in premature protein termination (p.Arg1154*). To our knowledge, this variant has not been reported in the literature in patient's with STRC-related disease. This variant is reported in 0.15% of alleles in individuals of Ashkenazi Jewish descent in gnomAD. Nonsense variants in STRC are expected to be pathogenic. This variant is interpreted as likely pathogenic.

NM_153700.2(STRC):c.3460C>T (p.Arg1154Ter)

Gene: STRC (stereocilin; minus strand). Cytogenetic location: 15q15.3.
Variant type: single nucleotide variant.
Coding change: c.3460C>T on transcript NM_153700.2 (MANE Select); coding-DNA position 3460, C replaced by T.
Protein change: p.Arg1154Ter; replaces arginine 1154 with a stop codon.
Molecular consequence: nonsense.
Genome position (GRCh38, 1-based): chr15:43,610,350, G>A on the plus strand (C>T on the coding strand, the complement: STRC is on the minus strand). VCF-style: chr15-43610350-G-A. GRCh37 (hg19) VCF-style: chr15-43902548-G-A.
Other names: short protein forms R1154*.
Identifiers: ClinVar variation 618399 (VCV000618399.19), dbSNP rs576724182, ClinGen allele CA7528338.